The following is an entry in ClinVar:

ClinVar aggregate classification (germline): Uncertain significance (1 of 4 stars; one submission).

Conditions:
Distal myopathy with posterior leg and anterior hand involvement. Also called: WILLIAMS DISTAL MYOPATHY. Identifiers: Orphanet 63273, MedGen C3279722, MONDO:0013550, OMIM 614065.
Myofibrillar myopathy 5. Also called: Filaminopathy (type); FILAMINOPATHY, AUTOSOMAL DOMINANT. Identifiers: Orphanet 171445, MedGen C1836050, MONDO:0012289, OMIM 609524.
Hypertrophic cardiomyopathy 26. Also called: Cardiomyopathy, familial hypertrophic, 26. Identifiers: Orphanet 75249, MedGen C4310749, MONDO:0014883, OMIM 617047.

Submission:

Labcorp Genetics (formerly Invitae), Labcorp
Classification: Uncertain significance for Distal myopathy with posterior leg and anterior hand involvement; Myofibrillar myopathy 5; Hypertrophic cardiomyopathy 26. Last evaluated: 2022-09-07. Review status: criteria provided, single submitter. Criteria: Invitae Variant Classification Sherloc (09022015). Collection method: clinical testing. Allele origin: germline.
Comment: This sequence change replaces glutamic acid, which is acidic and polar, with aspartic acid, which is acidic and polar, at codon 1746 of the FLNC protein (p.Glu1746Asp). In summary, the available evidence is currently insufficient to determine the role of this variant in disease. Therefore, it has been classified as a Variant of Uncertain Significance. Algorithms developed to predict the effect of missense changes on protein structure and function output the following: SIFT: "Tolerated"; PolyPhen-2: "Benign"; Align-GVGD: "Class C0". The aspartic acid amino acid residue is found in multiple mammalian species, which suggests that this missense change does not adversely affect protein function. ClinVar contains an entry for this variant (Variation ID: 582459). This variant has not been reported in the literature in individuals affected with FLNC-related conditions. This variant is not present in population databases (gnomAD no frequency).

NM_001458.5(FLNC):c.5238A>C (p.Glu1746Asp)

Gene: FLNC (filamin C; plus strand). Cytogenetic location: 7q32.1.
Variant type: single nucleotide variant.
Coding change: c.5238A>C on transcript NM_001458.5 (MANE Select); coding-DNA position 5238, A replaced by C.
Protein change: p.Glu1746Asp; replaces glutamic acid 1746 with aspartic acid.
Molecular consequence: missense variant. On other transcripts: intron variant (1).
Genome position (GRCh38, 1-based): chr7:128,850,014, A>C. VCF-style: chr7-128850014-A-C. GRCh37 (hg19) VCF-style: chr7-128490068-A-C.
Other names: c.5200-370A>C (NM_001127487.2); short protein forms E1746D.
Identifiers: ClinVar variation 582459 (VCV000582459.9), dbSNP rs1563000552, ClinGen allele CA369204592.